The following is an entry in ClinVar:

ClinVar aggregate classification (germline): Uncertain significance (1 of 4 stars; one submission).

gnomAD v4.1: 1 of 1,614,116 alleles (0.000062%); highest among the groups gnomAD compares: Non-Finnish European, 0.000085%; no homozygotes.

Submission:

Labcorp Genetics (formerly Invitae), Labcorp
Classification: Uncertain significance. Last evaluated: 2022-11-08. Review status: criteria provided, single submitter. Criteria: Invitae Variant Classification Sherloc (09022015). Collection method: clinical testing. Allele origin: germline.
Comment: In summary, the available evidence is currently insufficient to determine the role of this variant in disease. Therefore, it has been classified as a Variant of Uncertain Significance. Advanced modeling of protein sequence and biophysical properties (such as structural, functional, and spatial information, amino acid conservation, physicochemical variation, residue mobility, and thermodynamic stability) performed at Invitae indicates that this missense variant is not expected to disrupt COL10A1 protein function. This variant has not been reported in the literature in individuals affected with COL10A1-related conditions. This variant is present in population databases (no rsID available, gnomAD 0.002%). This sequence change replaces glutamic acid, which is acidic and polar, with glutamine, which is neutral and polar, at codon 261 of the COL10A1 protein (p.Glu261Gln).

NM_000493.4(COL10A1):c.781G>C (p.Glu261Gln)

Genes: COL10A1 (collagen type X alpha 1 chain; minus strand), NT5DC1 (5'-nucleotidase domain containing 1; plus strand). Cytogenetic location: 6q22.1.
Variant type: single nucleotide variant.
Coding change: c.781G>C on transcript NM_000493.4 (MANE Select); coding-DNA position 781, G replaced by C.
Protein change: p.Glu261Gln; replaces glutamic acid 261 with glutamine.
Molecular consequence: missense variant. On other transcripts: intron variant (1).
Genome position (GRCh38, 1-based): chr6:116,121,335, C>G on the plus strand (G>C on the coding strand, the complement: COL10A1 is on the minus strand). VCF-style: chr6-116121335-C-G. GRCh37 (hg19) VCF-style: chr6-116442498-C-G.
Other names: c.781G>C, p.Glu261Gln (NM_001424106.1, NM_001424107.1); c.529+3390C>G (NM_152729.3); short protein forms E261Q.
Identifiers: ClinVar variation 2163882 (VCV002163882.4), dbSNP rs754139727, ClinGen allele CA145909629.
Genomic context (GRCh38, chr6:116,121,335, plus strand): 5'-TTGTTCCTGGAATCCCTGGCTGGCCTGGGGCTCCAGCAGCTCCTGGCTTTCCAATGCCTT[C>G]TGGCCCTCGTTCCCCAGGAGGGCCTTGGGGACCTGGTGGGCCAATTGGTCCCATTTCTCC-3'
Protein context (NP_000484.2, residues 251-271): PQGPPGERGP[Glu261Gln]GIGKPGAAGA